The following is an entry in ClinVar:

ClinVar aggregate classification (germline): Pathogenic. Review status: criteria provided, multiple submitters, no conflicts (2 of 4 stars). 3 submissions from 3 submitters: Pathogenic (3). Last evaluated 2026-09-08.

Conditions:
Fabry disease. Also called: GLA DEFICIENCY; HEREDITARY DYSTOPIC LIPIDOSIS; Fabry's disease; Ceramide trihexosidosis; Angiokeratoma corporis diffusum; ALPHA-GALACTOSIDASE A DEFICIENCY. Identifiers: Orphanet 324, MedGen C0002986, MONDO:0010526, OMIM 301500, HP:0001071. Disease mechanism: loss of function, Fabry disease is due to inactivating mutations in the X-linked GLA gene resulting in deficiency of the enzyme Alpha Galactosidase-A..

Submissions (3):

Genomenon, Inc
Classification: Pathogenic for Fabry disease. Last evaluated: 2026-09-08. Review status: criteria provided, single submitter. Criteria: Genomenon Sequence Variant Interpretation Standards - Updated. Collection method: curation. Allele origin: germline. Affected: yes.
Comment: GLA p.Gln119Ter (c.355C>T) is a nonsense variant that introduces a premature stop codon at amino acid position 119 and is predicted to result in a truncated or absent protein product. This variant has been observed in at least one proband with clinical features consistent with Fabry disease (PMID:28736719;8875188;36165155;11322659;12938095). Functional or patient cell studies have been reported (PMID:18698230;31613176). It is absent or not present at a significant frequency in gnomAD. In conclusion, we classify GLA p.Gln119Ter (c.355C>T) as a pathogenic variant.

Labcorp Genetics (formerly Invitae), Labcorp
Classification: Pathogenic for Fabry disease. Last evaluated: 2023-05-10. Review status: criteria provided, single submitter. Criteria: Invitae Variant Classification Sherloc (09022015). Collection method: clinical testing. Allele origin: germline.
Comment: For these reasons, this variant has been classified as Pathogenic. ClinVar contains an entry for this variant (Variation ID: 1098788). This premature translational stop signal has been observed in individual(s) with Fabry disease (PMID: 8875188). This variant is not present in population databases (gnomAD no frequency). This sequence change creates a premature translational stop signal (p.Gln119*) in the GLA gene. It is expected to result in an absent or disrupted protein product. Loss-of-function variants in GLA are known to be pathogenic (PMID: 10666480, 12175777).

Women's Health and Genetics/Laboratory Corporation of America, LabCorp
Classification: Pathogenic for Fabry disease. Last evaluated: 2021-05-04. Review status: criteria provided, single submitter. Criteria: LabCorp Variant Classification Summary - May 2015. Collection method: clinical testing. Allele origin: germline.
Comment: Variant summary: GLA c.355C>T (p.Gln119X) results in a premature termination codon, predicted to cause a truncation of the encoded protein or absence of the protein due to nonsense mediated decay, which are commonly known mechanisms for disease. Truncations downstream of this position have been classified as pathogenic by our laboratory. The variant was absent in 183240 control chromosomes. c.355C>T has been reported in the literature in individuals affected with Fabry Disease (example, Garman_2002 citing Davies_1996, Rodriguez-Mari_2003, Xia-Liu_2012, Germain_2018). These data indicate that the variant is likely to be associated with disease. To our knowledge, no experimental evidence demonstrating an impact on protein function has been reported. No clinical diagnostic laboratories have submitted clinical-significance assessments for this variant to ClinVar after 2014. Based on the evidence outlined above, the variant was classified as pathogenic.

Literature cited by the submitters: PubMed 28736719 (cited by Genomenon, Inc); PubMed 8875188 (cited by Genomenon, Inc and Labcorp Genetics (formerly Invitae), Labcorp); PubMed 36165155 (cited by Genomenon, Inc); PubMed 11322659 (cited by Genomenon, Inc); PubMed 12938095 (cited by Genomenon, Inc and Women's Health and Genetics/Laboratory Corporation of America, LabCorp); PubMed 18698230 (cited by Genomenon, Inc); PubMed 31613176 (cited by Genomenon, Inc); PubMed 10666480 (cited by Labcorp Genetics (formerly Invitae), Labcorp); PubMed 12175777 (cited by Labcorp Genetics (formerly Invitae), Labcorp); PubMed 12359124 (cited by Women's Health and Genetics/Laboratory Corporation of America, LabCorp); PubMed 29649853 (cited by Women's Health and Genetics/Laboratory Corporation of America, LabCorp); PubMed 23387234 (cited by Women's Health and Genetics/Laboratory Corporation of America, LabCorp).

NM_000169.3(GLA):c.355C>T (p.Gln119Ter)

Genes: GLA (galactosidase alpha; minus strand), RPL36A-HNRNPH2 (RPL36A-HNRNPH2 readthrough; plus strand). Cytogenetic location: Xq22.1.
Variant type: single nucleotide variant.
Coding change: c.355C>T on transcript NM_000169.3 (MANE Select); coding-DNA position 355, C replaced by T.
Protein change: p.Gln119Ter; replaces glutamine 119 with a stop codon.
Molecular consequence: nonsense. On other transcripts: non-coding transcript variant (3), intron variant (2).
Genome position (GRCh38, 1-based): chrX:101,403,825, G>A on the plus strand (C>T on the coding strand, the complement: GLA is on the minus strand). VCF-style: chrX-101403825-G-A. GRCh37 (hg19) VCF-style: chrX-100658813-G-A.
Other names: c.478C>T, p.Gln160Ter (NM_001406747.1, NM_001406749.1); c.355C>T, p.Gln119Ter (NM_001406748.1); c.301-8111G>A (NM_001199973.2); c.178-8111G>A (NM_001199974.2); short protein forms Q119*, Q160*.
Identifiers: ClinVar variation 1098788 (VCV001098788.6), dbSNP rs2147480438, ClinGen allele CA413932848.